The following is an entry in ClinVar:

NM_006623.4(PHGDH):c.363del (p.Gln123fs)

Gene: PHGDH (phosphoglycerate dehydrogenase; plus strand). Cytogenetic location: 1p12.
Variant type: Deletion.
Coding change: c.363del on transcript NM_006623.4 (MANE Select); coding-DNA position 363, one base deleted (T; older notation c.363delT).
Protein change: p.Gln123fs; shifts the reading frame from glutamine 123.
Molecular consequence: frameshift variant.
Genome position (GRCh38, 1-based): chr1:119,726,857, T deleted; the last of 2 consecutive T bases (chr1:119,726,856-119,726,857); deleting either gives the same sequence. VCF-style (leftmost placement, unchanged base first): chr1-119726855-AT-A. GRCh37 (hg19) VCF-style: chr1-120269478-AT-A.
Other names: short protein forms Q123fs.
Identifiers: ClinVar variation 1384387 (VCV001384387.6), dbSNP rs781273456, ClinGen allele CA1037061.
Genomic context (GRCh38, chr1:119,726,855, plus strand): 5'-TTCCTGGGCTGGCGGGAGTCCGAATGGACCCTCTGAACCTGTGTCTATCCTTGCAGGCAG[AT>A]TCCCCAGGCGACGGCTTCGATGAAGGACGGCAAATGGGAGCGGAAGAAGGTGAGCAGCGG-3'

ClinVar aggregate classification (germline): Pathogenic (1 of 4 stars; one submission).

Conditions:
PHGDH deficiency. Identifiers: Orphanet 79351, MedGen C1866174, MONDO:0011152, OMIM 601815.

Submission:

Labcorp Genetics (formerly Invitae), Labcorp
Classification: Pathogenic for PHGDH deficiency. Last evaluated: 2020-12-27. Review status: criteria provided, single submitter. Criteria: Invitae Variant Classification Sherloc (09022015). Collection method: clinical testing. Allele origin: germline.
Comment: For these reasons, this variant has been classified as Pathogenic. This variant has not been reported in the literature in individuals with PHGDH-related conditions. The frequency data for this variant in the population databases is considered unreliable, as metrics indicate poor data quality at this position in the ExAC database. This sequence change creates a premature translational stop signal (p.Gln123Argfs*6) in the PHGDH gene. It is expected to result in an absent or disrupted protein product. Loss-of-function variants in PHGDH are known to be pathogenic (PMID: 14645240, 24836451).

Literature cited by the submitters: PubMed 14645240; PubMed 24836451.